The following is an entry in ClinVar:

ClinVar aggregate classification (germline): Likely benign. Review status: criteria provided, multiple submitters, no conflicts (2 of 4 stars). 7 submissions from 7 submitters: Likely benign (6). 1 of the submissions does not count toward it. Last evaluated 2026-01-17.

Conditions:
CACNA1H-related disorder.
Epilepsy, childhood absence, susceptibility to, 6. Identifiers: Orphanet 64280, MedGen C2749872, MONDO:0012763, OMIM 611942.
Hyperaldosteronism, familial, type IV (HALD4). Also called: FH IV; ALDOSTERONISM, PRIMARY, AND HYPERTENSION. Identifiers: Orphanet 642671, MedGen C4310756, MONDO:0014875, OMIM 617027.
Idiopathic generalized epilepsy. Also called: EIG; Generalised epilepsy. Identifiers: MedGen C0270850, MONDO:0005579, OMIM 600669.

Allele frequency attached by ClinVar (database versions not stated): 1000 Genomes Project 30x 0.00094; ESP Exome Variant Server 0.00117; 1000 Genomes Project 0.00120; TOPMed 0.00122; gnomAD 0.00123 and 0.00126; gnomAD exomes 0.00145 and 0.00195; ExAC 0.00147.
gnomAD v4.1: 2,947 of 1,583,922 alleles (0.19%); highest among the groups gnomAD compares: Non-Finnish European, 0.22%; 8 homozygotes.

Submissions (7):

Labcorp Genetics (formerly Invitae), Labcorp
Classification: Likely benign for Idiopathic generalized epilepsy; Hyperaldosteronism, familial, type IV. Last evaluated: 2026-01-17. Review status: criteria provided, single submitter. Criteria: Invitae Variant Classification Sherloc (09022015). Collection method: clinical testing. Allele origin: germline.

CeGaT Center for Human Genetics Tuebingen
Classification: Likely benign. Last evaluated: 2025-12-01. Review status: criteria provided, single submitter. Criteria: CeGaT Center For Human Genetics Tuebingen Variant Classification Criteria Version 2. Collection method: clinical testing. Allele origin: germline. Affected: yes. Observed: 3 variant alleles.
Comment: CACNA1H: BS2

Blueprint Genetics
Classification: Likely benign. Last evaluated: 2024-11-04. Review status: criteria provided, single submitter. Criteria: ACMG Guidelines, 2015. Collection method: clinical testing. Allele origin: germline.

Fulgent Genetics
Classification: Likely benign for Epilepsy, childhood absence, susceptibility to, 6; Hyperaldosteronism, familial, type IV. Last evaluated: 2021-10-18. Review status: criteria provided, single submitter. Criteria: ACMG Guidelines, 2015. Collection method: clinical testing. Allele origin: unknown.

Athena Diagnostics
Classification: Likely benign. Last evaluated: 2019-04-08. Review status: criteria provided, single submitter. Criteria: Athena Diagnostics Criteria. Collection method: clinical testing. Allele origin: germline.

Breakthrough Genomics
Classification: Likely benign. Review status: criteria provided, single submitter. Criteria: ACMG Guidelines, 2015. Collection method: not provided. Allele origin: germline. Inheritance: Autosomal dominant inheritance. Affected: yes.

PreventionGenetics, part of Exact Sciences
Classification: Likely benign for CACNA1H-related condition. Last evaluated: 2020-06-29. Review status: no assertion criteria provided. Collection method: clinical testing. Allele origin: germline. Not counted in ClinVar's aggregate classification.
Comment: This variant is classified as likely benign based on ACMG/AMP sequence variant interpretation guidelines (Richards et al. 2015 PMID: 25741868, with internal and published modifications).

NM_021098.3(CACNA1H):c.6322G>A (p.Ala2108Thr)

Gene: CACNA1H (calcium voltage-gated channel subunit alpha1 H; plus strand). Cytogenetic location: 16p13.3.
Variant type: single nucleotide variant.
Coding change: c.6322G>A on transcript NM_021098.3 (MANE Select); coding-DNA position 6322, G replaced by A.
Protein change: p.Ala2108Thr; replaces alanine 2108 with threonine.
Molecular consequence: missense variant.
Genome position (GRCh38, 1-based): chr16:1,220,254, G>A. VCF-style: chr16-1220254-G-A. GRCh37 (hg19) VCF-style: chr16-1270254-G-A.
Other names: c.6304G>A, p.Ala2102Thr (NM_001005407.2); short protein forms A2108T, A2102T.
Identifiers: ClinVar variation 460163 (VCV000460163.40), dbSNP rs56930660, ClinGen allele CA7802310.
Genomic context (GRCh38, chr16:1,220,254, plus strand): 5'-GGAGAGGAGGCCGAGGCCTCGGACCCAGCCGACGAGGAGGTCAGCCACATCACCAGCTCC[G>A]CCTGCCCCTGGCAGCCCACAGCCGAGCCCCATGGCCCCGAAGCCTCTCCGGTGGCCGGCG-3'
Protein context (NP_066921.2, residues 2098-2118): DEEVSHITSS[Ala2108Thr]CPWQPTAEPH